The following is an entry in ClinVar:

NM_001927.4(DES):c.1304_1305inv (p.Gln435Leu)

Gene: DES (desmin; plus strand). Cytogenetic location: 2q35.
Variant type: Inversion.
Coding change: c.1304_1305inv on transcript NM_001927.4 (MANE Select).
Protein change: p.Gln435Leu; replaces glutamine 435 with leucine.
Molecular consequence: missense variant.
Genome position: GRCh38 VCF-style: chr2-219425678-AA-TT. GRCh37 (hg19) VCF-style: chr2-220290400-AA-TT.
Other names: c.1301_1302inv, p.Gln434Leu (NM_001382708.1); c.872_873inv, p.Gln291Leu (NM_001382709.1); c.1235_1236inv, p.Gln412Leu (NM_001382710.1); c.1283_1284inv, p.Gln428Leu (NM_001382711.1); c.1304_1305inv, p.Gln435Leu (NM_001382712.1); c.1034_1035inv, p.Gln345Leu (NM_001382713.1); c.1304_1305delinsTT (NM_001927.3); short protein forms Q291L, Q345L, Q412L, Q428L, Q434L, Q435L.
Identifiers: ClinVar variation 4538887 (VCV004538887.1).

ClinVar aggregate classification (germline): Uncertain significance (1 of 4 stars; one submission).

Submission:

GeneDx
Classification: Uncertain significance. Last evaluated: 2025-06-16. Review status: criteria provided, single submitter. Criteria: GeneDx Variant Classification Process June 2021. Collection method: clinical testing. Allele origin: germline. Affected: yes.
Comment: Not observed at significant frequency in large population cohorts (gnomAD); In silico analysis supports a deleterious effect on protein structure/function; Has not been previously published as pathogenic or benign to our knowledge; In silico analysis is inconclusive as to whether the variant alters gene splicing. In the absence of RNA/functional studies, the actual effect of this sequence change is unknown.; This variant is associated with the following publications: (PMID: 26807690)